The following is an entry in ClinVar:

NM_031844.3(HNRNPU):c.1934T>A (p.Val645Glu)

Gene: HNRNPU (heterogeneous nuclear ribonucleoprotein U; minus strand). Cytogenetic location: 1q44.
Variant type: single nucleotide variant.
Coding change: c.1934T>A on transcript NM_031844.3 (MANE Select); coding-DNA position 1934, T replaced by A.
Protein change: p.Val645Glu; replaces valine 645 with glutamic acid.
Molecular consequence: missense variant.
Genome position (GRCh38, 1-based): chr1:244,856,137, A>T on the plus strand (T>A on the coding strand, the complement: HNRNPU is on the minus strand). VCF-style: chr1-244856137-A-T. GRCh37 (hg19) VCF-style: chr1-245019439-A-T.
Other names: c.1877T>A, p.Val626Glu (NM_004501.3); short protein forms V626E, V645E.
Identifiers: ClinVar variation 1439628 (VCV001439628.8), dbSNP rs2102985465, ClinGen allele CA345488579.

ClinVar aggregate classification (germline): Uncertain significance (1 of 4 stars; one submission).

Conditions:
Developmental and epileptic encephalopathy, 54. Also called: Epileptic encephalopathy, early infantile, 54; HNRNPU-Related Neurodevelopmental Disorder. Identifiers: MedGen C4479319, MONDO:0033363, OMIM 617391.

Submission:

Labcorp Genetics (formerly Invitae), Labcorp
Classification: Uncertain significance for Developmental and epileptic encephalopathy, 54. Last evaluated: 2023-08-17. Review status: criteria provided, single submitter. Criteria: Invitae Variant Classification Sherloc (09022015). Collection method: clinical testing. Allele origin: germline.
Comment: ClinVar contains an entry for this variant (Variation ID: 1439628). This variant has not been reported in the literature in individuals affected with HNRNPU-related conditions. This variant is not present in population databases (gnomAD no frequency). This sequence change replaces valine, which is neutral and non-polar, with glutamic acid, which is acidic and polar, at codon 645 of the HNRNPU protein (p.Val645Glu). Advanced modeling of protein sequence and biophysical properties (such as structural, functional, and spatial information, amino acid conservation, physicochemical variation, residue mobility, and thermodynamic stability) performed at Invitae indicates that this missense variant is not expected to disrupt HNRNPU protein function. In summary, the available evidence is currently insufficient to determine the role of this variant in disease. Therefore, it has been classified as a Variant of Uncertain Significance.